The following is an entry in ClinVar:

ClinVar aggregate classification (germline): Uncertain significance (1 of 4 stars; one submission).

Conditions:
Hereditary cancer-predisposing syndrome. Also called: Neoplastic Syndromes, Hereditary; Tumor predisposition; Hereditary Cancer Syndrome; Hereditary neoplastic syndrome. Identifiers: Orphanet 140162, MedGen C0027672, MeSH D009386, MONDO:0015356.

Submission:

Ambry Genetics
Classification: Uncertain significance for Hereditary cancer-predisposing syndrome. Last evaluated: 2026-07-21. Review status: criteria provided, single submitter. Criteria: Ambry Variant Classification Scheme 2023. Collection method: clinical testing. Allele origin: germline.
Comment: The p.P297L variant (also known as c.890C>T), located in coding exon 7 of the SDHA gene, results from a C to T substitution at nucleotide position 890. The proline at codon 297 is replaced by leucine, an amino acid with similar properties. This amino acid position is highly conserved in available vertebrate species. In addition, this alteration is predicted to be deleterious by in silico analysis. Based on the available evidence, the clinical significance of this variant remains unclear.

NM_004168.4(SDHA):c.890C>T (p.Pro297Leu)

Gene: SDHA (succinate dehydrogenase complex flavoprotein subunit A; plus strand). Cytogenetic location: 5p15.33.
Variant type: single nucleotide variant.
Coding change: c.890C>T on transcript NM_004168.4 (MANE Select); coding-DNA position 890, C replaced by T.
Protein change: p.Pro297Leu; replaces proline 297 with leucine.
Molecular consequence: missense variant.
Genome position (GRCh38, 1-based): chr5:230,995, C>T. VCF-style: chr5-230995-C-T. GRCh37 (hg19) VCF-style: chr5-231110-C-T.
Other names: c.746C>T, p.Pro249Leu (NM_001294332.2); c.890C>T, p.Pro297Leu (NM_001330758.2); short protein forms P249L, P297L.
Identifiers: ClinVar variation 3223761 (VCV003223761.2), dbSNP rs2477333569, ClinGen allele CA359012082.